The following is an entry in ClinVar:

NM_032043.3(BRIP1):c.623A>G (p.Gln208Arg)

Gene: BRIP1 (BRCA1 interacting DNA helicase 1; minus strand). Cytogenetic location: 17q23.2.
Variant type: single nucleotide variant.
Coding change: c.623A>G on transcript NM_032043.3 (MANE Select); coding-DNA position 623, A replaced by G.
Protein change: p.Gln208Arg; replaces glutamine 208 with arginine.
Molecular consequence: missense variant.
Genome position (GRCh38, 1-based): chr17:61,847,105, T>C on the plus strand (A>G on the coding strand, the complement: BRIP1 is on the minus strand). VCF-style: chr17-61847105-T-C. GRCh37 (hg19) VCF-style: chr17-59924466-T-C.
Other names: short protein forms Q208R.
Identifiers: ClinVar variation 2632515 (VCV002632515.1), dbSNP rs2545404946, ClinGen allele CA400482789.

ClinVar aggregate classification (germline): Uncertain significance (1 of 4 stars; one submission).

Conditions:
BRIP1-related disorder. Also called: BRIP1-related disorders; BRIP1-related condition. Identifiers: MedGen CN239206.

Submission:

PreventionGenetics, part of Exact Sciences
Classification: Uncertain significance for BRIP1-related condition. Last evaluated: 2023-05-25. Review status: criteria provided, single submitter. Criteria: ACMG Guidelines, 2015. Collection method: clinical testing. Allele origin: germline.
Comment: The BRIP1 c.623A>G variant is predicted to result in the amino acid substitution p.Gln208Arg. To our knowledge, this variant has not been reported in the literature or in a large population database, indicating this variant is rare. At this time, the clinical significance of this variant is uncertain due to the absence of conclusive functional and genetic evidence.